The following is an entry in ClinVar:

NM_000260.4(MYO7A):c.2267G>A (p.Arg756Gln)

Gene: MYO7A (myosin VIIA; plus strand). Cytogenetic location: 11q13.5.
Variant type: single nucleotide variant.
Coding change: c.2267G>A on transcript NM_000260.4 (MANE Select); coding-DNA position 2267, G replaced by A.
Protein change: p.Arg756Gln; replaces arginine 756 with glutamine.
Molecular consequence: missense variant.
Genome position (GRCh38, 1-based): chr11:77,177,628, G>A. VCF-style: chr11-77177628-G-A. GRCh37 (hg19) VCF-style: chr11-76888674-G-A.
Other names: c.2267G>A, p.Arg756Gln (NM_001127180.2); c.2234G>A, p.Arg745Gln (NM_001369365.1); short protein forms R745Q, R756Q.
Identifiers: ClinVar variation 838012 (VCV000838012.8), dbSNP rs782719957, ClinGen allele CA6197773.

ClinVar aggregate classification (germline): Uncertain significance. Review status: criteria provided, multiple submitters, no conflicts (2 of 4 stars). 4 submissions from 4 submitters: Uncertain significance (3). 1 of the submissions does not count toward it. Last evaluated 2026-08-06.

Conditions:
MYO7A-related disorder. Also called: MYO7A-related disorders.
Usher syndrome type 1B (USH1B). Also called: Usher syndrome type IB. Identifiers: MedGen C1848638, MONDO:0700087.
Usher syndrome type 1 (USH1). Also called: RETINITIS PIGMENTOSA AND CONGENITAL DEAFNESS. Identifiers: Orphanet 231169, Orphanet 886, MedGen C1568247, MONDO:0010168, OMIM 276900.

Allele frequency attached by ClinVar (database versions not stated): ExAC 0.00001; gnomAD exomes 0.00002; TOPMed 0.00005; gnomAD 0.00004 and 0.00003.
gnomAD v4.1: 22 of 1,610,002 alleles (0.0014%); highest among the groups gnomAD compares: Admixed American, 0.0067%; no homozygotes.

Submissions (4):

OLLIN Analises Genomicas, OLLIN
Classification: Uncertain significance for Usher syndrome type 1. Last evaluated: 2026-08-06. Review status: criteria provided, single submitter. Criteria: ACMG Guidelines 2015 PMID 25741868. Collection method: clinical testing. Allele origin: germline. Inheritance: Autosomal dominant inheritance.
Comment: This missense variant, located in exon 19 (of 49), has been reported in ClinVar (accession VCV000838012.7) and in gnomAD with an allele frequency of 0.0014%. However, to our knowledge, it has not been reported in the scientific literature. In silico analysis predicts that this variant has a deleterious effect. According to the currently available evidence, this variant has been classified as uncertain significance (PM2_P, PP3).

Labcorp Genetics (formerly Invitae), Labcorp
Classification: Uncertain significance. Last evaluated: 2025-10-15. Review status: criteria provided, single submitter. Criteria: Invitae Variant Classification Sherloc (09022015). Collection method: clinical testing. Allele origin: germline.
Comment: This sequence change replaces arginine, which is basic and polar, with glutamine, which is neutral and polar, at codon 756 of the MYO7A protein (p.Arg756Gln). This variant is present in population databases (rs782719957, gnomAD 0.006%). This variant has not been reported in the literature in individuals affected with MYO7A-related conditions. ClinVar contains an entry for this variant (Variation ID: 838012). Invitae Evidence Modeling of protein sequence and biophysical properties (such as structural, functional, and spatial information, amino acid conservation, physicochemical variation, residue mobility, and thermodynamic stability) indicates that this missense variant is expected to disrupt MYO7A protein function with a positive predictive value of 95%. In summary, the available evidence is currently insufficient to determine the role of this variant in disease. Therefore, it has been classified as a Variant of Uncertain Significance.

PreventionGenetics, part of Exact Sciences
Classification: Uncertain significance for MYO7A-related condition. Last evaluated: 2024-11-13. Review status: criteria provided, single submitter. Criteria: ACMG Guidelines, 2015. Collection method: clinical testing. Allele origin: germline.
Comment: The MYO7A c.2267G>A variant is predicted to result in the amino acid substitution p.Arg756Gln. To our knowledge, this variant has not been reported in the literature. This variant is reported in 0.0057% of alleles in individuals of East Asian descent in gnomAD. Of note, different substitutions at the same codon of this gene have been reported in individuals with presumably autosomal recessive MYO7A-related hearing loss disorders (p.Arg756Trp without a second variant found in Ouyang et al. 2005. PubMed ID: 15660226; p.Arg756Pro with a truncating variant in Klimara et al. 2022. PubMed ID: 36194208). At this time, the clinical significance of the c.2267G>A (p.Arg756Gln) variant is uncertain due to the absence of conclusive functional and genetic evidence.

Natera, Inc.
Classification: Uncertain significance for Usher syndrome type 1B. Last evaluated: 2020-09-16. Review status: no assertion criteria provided. Collection method: clinical testing. Allele origin: germline. Not counted in ClinVar's aggregate classification.